The following is an entry in ClinVar:

NM_007294.4(BRCA1):c.1749dup (p.Ala584fs)

Gene: BRCA1 (BRCA1 DNA repair associated; minus strand). Cytogenetic location: 17q21.31.
Variant type: Duplication.
Coding change: c.1749dup on transcript NM_007294.4 (MANE Select); coding-DNA position 1749, one base duplicated (A; older notation c.1749dupA).
Protein change: p.Ala584fs; shifts the reading frame from alanine 584.
Molecular consequence: frameshift variant. On other transcripts: intron variant (137).
Genome position (GRCh38, 1-based): chr17:43,093,782, T duplicated on the plus strand (A on the coding strand, the reverse complement: BRCA1 is on the minus strand); the first of 3 consecutive T bases (chr17:43,093,782-43,093,784); duplicating any one gives the same sequence. VCF-style (leftmost placement, unchanged base first): chr17-43093781-C-CT. GRCh37 (hg19) VCF-style: chr17-41245798-C-CT.
Other names: c.667+2064dup (NM_001408431.1, NM_001408424.1, NM_001408421.1); c.784+962dup (NM_001408407.1, NM_001408402.1, NM_001408473.1 and 13 more transcripts); c.664+962dup (NM_001408426.1, NM_001408442.1, NM_001408440.1 and 12 more transcripts); c.787+962dup (NM_001407982.1, NM_001407970.1, NM_001408403.1 and 19 more transcripts); c.646+962dup (NM_001408410.1, NM_001408456.1, NM_001408458.1 and 11 more transcripts); c.709+962dup (NM_001408415.1, NM_001408412.1, NM_001408409.1 and 2 more transcripts); c.577+962dup (NM_001408483.1, NM_001408484.1, NM_001408478.1 and 9 more transcripts); c.523+962dup (NM_001408499.1, NM_001408498.1, NM_001408501.1 and 3 more transcripts); and 40 more; short protein forms A584fs, A537fs, A416fs, A456fs, A472fs, A495fs, A517fs, A581fs.
Identifiers: ClinVar variation 2035933 (VCV002035933.4), dbSNP rs2552199118, ClinGen allele CA2580094123.

ClinVar aggregate classification (germline): Pathogenic (1 of 4 stars; one submission).

Conditions:
Hereditary breast ovarian cancer syndrome. Also called: Hereditary breast and/or ovarian cancer syndrome; BRCA1- and BRCA2-Associated Hereditary Breast and Ovarian Cancer; Breast and ovarian cancer; Hereditary breast and ovarian cancer; Hereditary breast and ovarian cancer syndrome (HBOC); Hereditary breast and ovarian cancer syndrome. Identifiers: Orphanet 145, MedGen C0677776, MeSH D061325, MONDO:0003582. Disease mechanism: loss of function.

Submission:

Labcorp Genetics (formerly Invitae), Labcorp
Classification: Pathogenic for Hereditary breast ovarian cancer syndrome. Last evaluated: 2022-10-17. Review status: criteria provided, single submitter. Criteria: Invitae Variant Classification Sherloc (09022015). Collection method: clinical testing. Allele origin: germline.
Comment: For these reasons, this variant has been classified as Pathogenic. This variant has not been reported in the literature in individuals affected with BRCA1-related conditions. This variant is not present in population databases (gnomAD no frequency). This sequence change creates a premature translational stop signal (p.Ala584Serfs*2) in the BRCA1 gene. It is expected to result in an absent or disrupted protein product. Loss-of-function variants in BRCA1 are known to be pathogenic (PMID: 20104584).

Literature cited by the submitters: PubMed 20104584.